The following is an entry in ClinVar:

ClinVar aggregate classification (germline): Uncertain significance (1 of 4 stars; one submission).

Conditions:
Inborn genetic diseases. Identifiers: MedGen C0950123, MeSH D030342.

Submission:

Ambry Genetics
Classification: Uncertain significance for Inborn genetic diseases. Last evaluated: 2025-08-20. Review status: criteria provided, single submitter. Criteria: Ambry Variant Classification Scheme 2023. Collection method: clinical testing. Allele origin: germline.
Comment: The p.P927H variant (also known as c.2780C>A), located in coding exon 12 of the BMPR2 gene, results from a C to A substitution at nucleotide position 2780. The proline at codon 927 is replaced by histidine, an amino acid with similar properties. This amino acid position is conserved. In addition, the in silico prediction for this alteration is inconclusive. Based on the available evidence, the clinical significance of this variant remains unclear.

NM_001204.7(BMPR2):c.2780C>A (p.Pro927His)

Gene: BMPR2 (bone morphogenetic protein receptor type 2; plus strand). Cytogenetic location: 2q33.2.
Variant type: single nucleotide variant.
Coding change: c.2780C>A on transcript NM_001204.7 (MANE Select); coding-DNA position 2780, C replaced by A.
Protein change: p.Pro927His; replaces proline 927 with histidine.
Molecular consequence: missense variant.
Genome position (GRCh38, 1-based): chr2:202,556,445, C>A. VCF-style: chr2-202556445-C-A. GRCh37 (hg19) VCF-style: chr2-203421168-C-A.
Other names: short protein forms P927H.
Identifiers: ClinVar variation 4214514 (VCV004214514.1).